The following is an entry in ClinVar:

NM_001283009.2(RTEL1):c.3107C>G (p.Thr1036Arg)

Genes: RTEL1 (regulator of telomere elongation helicase 1; plus strand), RTEL1-TNFRSF6B (RTEL1-TNFRSF6B readthrough (NMD candidate); plus strand). Cytogenetic location: 20q13.33.
Variant type: single nucleotide variant.
Coding change: c.3107C>G on transcript NM_001283009.2 (MANE Select); coding-DNA position 3107, C replaced by G.
Protein change: p.Thr1036Arg; replaces threonine 1036 with arginine.
Molecular consequence: missense variant. On other transcripts: non-coding transcript variant (1).
Genome position (GRCh38, 1-based): chr20:63,694,486, C>G. VCF-style: chr20-63694486-C-G. GRCh37 (hg19) VCF-style: chr20-62325839-C-G.
Other names: c.2438C>G, p.Thr813Arg (NM_001283010.1); c.3107C>G, p.Thr1036Arg (NM_016434.4); c.3179C>G, p.Thr1060Arg (NM_032957.5); short protein forms T1060R, T1036R, T813R.
Identifiers: ClinVar variation 572880 (VCV000572880.9), dbSNP rs138576158, ClinGen allele CA9965838.

ClinVar aggregate classification (germline): Uncertain significance. Review status: criteria provided, multiple submitters, no conflicts (2 of 4 stars). 3 submissions from 3 submitters: Uncertain significance (3). Last evaluated 2025-10-27.

Conditions:
Pulmonary fibrosis and/or bone marrow failure, Telomere-related, 3. Also called: PULMONARY FIBROSIS AND/OR BONE MARROW FAILURE SYNDROME, TELOMERE-RELATED, 3. Identifiers: Orphanet 2032, MedGen C4225346, MONDO:0014613, OMIM 616373.
Dyskeratosis congenita, autosomal recessive 5 (DKCB5). Identifiers: MedGen C3554656, MONDO:0014076, OMIM 615190.
Dyskeratosis congenita. Identifiers: Orphanet 1775, MedGen C0265965, MONDO:0015780.

Allele frequency attached by ClinVar (database versions not stated): gnomAD exomes 0.00003; ExAC 0.00005; TOPMed 0.00006; gnomAD 0.00007 and 0.00008; ESP Exome Variant Server 0.00023.

Submissions (3):

Labcorp Genetics (formerly Invitae), Labcorp
Classification: Uncertain significance for Dyskeratosis congenita, autosomal recessive 5; Pulmonary fibrosis and/or bone marrow failure, Telomere-related, 3. Last evaluated: 2025-10-27. Review status: criteria provided, single submitter. Criteria: Invitae Variant Classification Sherloc (09022015). Collection method: clinical testing. Allele origin: germline.
Comment: This sequence change replaces threonine, which is neutral and polar, with arginine, which is basic and polar, at codon 1036 of the RTEL1 protein (p.Thr1036Arg). This variant is present in population databases (rs138576158, gnomAD 0.2%). This variant has not been reported in the literature in individuals affected with RTEL1-related conditions. This variant is also known as NM_032957.4:c.3179C>G (p.Thr1060Arg). ClinVar contains an entry for this variant (Variation ID: 572880). An algorithm developed to predict the effect of missense changes on protein structure and function (PolyPhen-2) suggests that this variant is likely to be tolerated. Algorithms developed to predict the effect of sequence changes on RNA splicing suggest that this variant may disrupt the consensus splice site. In summary, the available evidence is currently insufficient to determine the role of this variant in disease. Therefore, it has been classified as a Variant of Uncertain Significance.

GeneDx
Classification: Uncertain significance. Last evaluated: 2025-08-20. Review status: criteria provided, single submitter. Criteria: GeneDx Variant Classification Process June 2021. Collection method: clinical testing. Allele origin: germline. Affected: yes.
Comment: In silico analysis suggests that this missense variant does not alter protein structure/function; In silico analysis suggests this variant may impact gene splicing. In the absence of RNA/functional studies, the actual effect of this sequence change is unknown; Has not been previously published as pathogenic or benign to our knowledge

Sema4
Classification: Uncertain significance for Dyskeratosis congenita. Last evaluated: 2021-08-19. Review status: criteria provided, single submitter. Criteria: Sema4 Curation Guidelines. Collection method: curation. Allele origin: germline.
Comment: The RTEL1 c.3107C>G (p.T1036R) variant has not been reported in the literature to our knowledge. It was observed in 15/9642 chromosomes of the Ashkenazi Jewish subpopulation, with no homozygotes, in the large and broad cohorts of the Genome Aggregation Database (PMID: 32461654). The variant has been reported in ClinVar (Variation ID 572880). Functional studies have not been performed, and in silico predictions of the variant's effect on protein function are inconclusive. The evidence is insufficient to meet ACMG/AMP criteria for classifying the variant as benign or pathogenic. Thus, the clinical significance of this variant is currently uncertain.